The following is an entry in ClinVar:

ClinVar aggregate classification (germline): Likely pathogenic (1 of 4 stars; one submission).

Conditions:
Polycystic liver disease 1 (PCLD1). Also called: Polycystic liver disease 1 with or without kidney cysts. Identifiers: Orphanet 2924, MedGen C0887850, MONDO:0008265, OMIM 174050.

Submission:

Dasa
Classification: Likely pathogenic for Polycystic liver disease 1. Last evaluated: 2025-12-16. Review status: criteria provided, single submitter. Criteria: DASA Assertion Criteria. Collection method: clinical testing. Allele origin: germline.
Comment: NM_001289104.2(PRKCSH):c.818G>A (p.Trp273*) is a nonsense variant in PRKCSH predicted to introduce a premature termination codon and is predicted to result in an absent or altered protein product. Loss of function is an established disease mechanism for PRKCSH (PMID: 38101549; PMID: 12529853). Also, this variant is rare in population databases. Based on the currently available evidence, this variant is classified as likely pathogenic.

Literature cited by the submitters: PubMed 38101549; PubMed 12529853.

NM_001289104.2(PRKCSH):c.818G>A (p.Trp273Ter)

Gene: PRKCSH (PRKCSH beta subunit of glucosidase II; plus strand). Cytogenetic location: 19p13.2.
Variant type: single nucleotide variant.
Coding change: c.818G>A on transcript NM_001289104.2 (MANE Select); coding-DNA position 818, G replaced by A.
Protein change: p.Trp273Ter; replaces tryptophan 273 with a stop codon.
Molecular consequence: nonsense.
Genome position (GRCh38, 1-based): chr19:11,447,129, G>A. VCF-style: chr19-11447129-G-A. GRCh37 (hg19) VCF-style: chr19-11557944-G-A.
Other names: c.818G>A, p.Trp273Ter (NM_001001329.3, NM_001289102.2, NM_001289103.2 and 3 more transcripts); short protein forms W273*.
Identifiers: ClinVar variation 4884215 (VCV004884215.2).
Genomic context (GRCh38, chr19:11,447,129, plus strand): 5'-CACAGGCCCTCCTCAGTGGGGACACACAGACAGACGCCACCTCTTTCTACGACCGCGTCT[G>A]GGCCGCCATCAGGGACAAGTACCGGTCCGAGGTCAGTGGAGGAGAAGGGAGGGGACTTGG-3'